The following is an entry in ClinVar:

NM_001164508.2(NEB):c.11290-1G>A

Gene: NEB (nebulin; minus strand). Cytogenetic location: 2q23.3.
Variant type: single nucleotide variant.
Coding change: c.11290-1G>A on transcript NM_001164508.2 (MANE Select); the canonical splice acceptor site of the intron before coding-DNA position 11290, G replaced by A.
Molecular consequence: splice acceptor variant.
Genome position (GRCh38, 1-based): chr2:151,614,588, C>T on the plus strand (G>A on the coding strand, the complement: NEB is on the minus strand). VCF-style: chr2-151614588-C-T. GRCh37 (hg19) VCF-style: chr2-152471102-C-T.
Other names: c.10561-1G>A (NM_004543.5); c.11290-1G>A (NM_001164507.2, NM_001271208.2).
Identifiers: ClinVar variation 3731282 (VCV003731282.1).

ClinVar aggregate classification (germline): Likely pathogenic (1 of 4 stars; one submission).

Conditions:
Arthrogryposis multiplex congenita 6. Identifiers: MedGen C5543431, MONDO:0030281, OMIM 619334.

Submission:

Neuberg Centre For Genomic Medicine, NCGM
Classification: Likely pathogenic for Arthrogryposis multiplex congenita 6. Review status: criteria provided, single submitter. Criteria: ACMG Guidelines, 2015. Collection method: clinical testing. Allele origin: germline. Inheritance: Autosomal recessive inheritance. Affected: yes.
Comment: The observed splice acceptor variant c.11290-1G>A in NEB gene has not been reported previously as a pathogenic variant nor as a benign variant, to our knowledge. This variant is absent in gnomAD Exomes. This variant has not been reported to the ClinVar database. The variant is predicted to be Damaging by SpliceAI Prediction. This variant is predicted to cause loss of normal protein function through protein truncation. Loss of function variants have been previously reported to be disease causing (Lehtokari VL, et al., 2014). For these reasons, this variant has been classified as Likely Pathogenic.